The following is an entry in ClinVar:

ClinVar aggregate classification (germline): Uncertain significance (1 of 4 stars; one submission).

Allele frequency attached by ClinVar (database versions not stated): gnomAD exomes below 0.00001; TOPMed below 0.00001.
gnomAD v4.1: 2 of 1,614,192 alleles (0.00012%); highest among the groups gnomAD compares: East Asian, 0.0022%; no homozygotes.

Submission:

Labcorp Genetics (formerly Invitae), Labcorp
Classification: Uncertain significance. Last evaluated: 2021-08-17. Review status: criteria provided, single submitter. Criteria: Invitae Variant Classification Sherloc (09022015). Collection method: clinical testing. Allele origin: germline.
Comment: This sequence change replaces serine with cysteine at codon 222 of the SLC45A2 protein (p.Ser222Cys). The serine residue is moderately conserved and there is a moderate physicochemical difference between serine and cysteine. This variant is not present in population databases (ExAC no frequency). This variant has not been reported in the literature in individuals affected with SLC45A2-related conditions. Algorithms developed to predict the effect of missense changes on protein structure and function (SIFT, PolyPhen-2, Align-GVGD) all suggest that this variant is likely to be tolerated. In summary, the available evidence is currently insufficient to determine the role of this variant in disease. Therefore, it has been classified as a Variant of Uncertain Significance.

NM_016180.5(SLC45A2):c.665C>G (p.Ser222Cys)

Gene: SLC45A2 (solute carrier family 45 member 2; minus strand). Cytogenetic location: 5p13.2.
Variant type: single nucleotide variant.
Coding change: c.665C>G on transcript NM_016180.5 (MANE Select); coding-DNA position 665, C replaced by G.
Protein change: p.Ser222Cys; replaces serine 222 with cysteine.
Molecular consequence: missense variant. On other transcripts: intron variant (1).
Genome position (GRCh38, 1-based): chr5:33,963,914, G>C on the plus strand (C>G on the coding strand, the complement: SLC45A2 is on the minus strand). VCF-style: chr5-33963914-G-C. GRCh37 (hg19) VCF-style: chr5-33964019-G-C.
Other names: c.665C>G, p.Ser222Cys (NM_001012509.4); c.563-9410C>G (NM_001297417.4); short protein forms S222C.
Identifiers: ClinVar variation 1410992 (VCV001410992.3), dbSNP rs1316525295, ClinGen allele CA359394042.
Genomic context (GRCh38, chr5:33,963,914, plus strand): 5'-AGTGGGGCTTCAGAGATACTGCACAGATGAACAGTAAAACACAAAGTGAGCACCAATGCA[G>C]AGAAGAAGAACATGACCTGGAATTCTGTACCCAACAGTCTTCCCAGCTCCAGATGGGCCC-3'
Protein context (NP_057264.4, residues 212-232): GTEFQVMFFF[Ser222Cys]ALVLTLCFTV